The following is an entry in ClinVar:

ClinVar aggregate classification (germline): Likely benign (0 of 4 stars; one submission).

Conditions:
MED12L-related disorder. Also called: MED12L-related condition.

Allele frequency attached by ClinVar (database versions not stated): ExAC 0.00007; ESP Exome Variant Server 0.00008; gnomAD 0.00008; TOPMed 0.00008; gnomAD exomes 0.00010.
gnomAD v4.1: 160 of 1,613,308 alleles (0.0099%); highest among the groups gnomAD compares: Non-Finnish European, 0.013%; no homozygotes.

Submission:

PreventionGenetics, part of Exact Sciences
Classification: Likely benign for MED12L-related condition. Last evaluated: 2020-06-22. Review status: no assertion criteria provided. Collection method: clinical testing. Allele origin: germline.
Comment: This variant is classified as likely benign based on ACMG/AMP sequence variant interpretation guidelines (Richards et al. 2015 PMID: 25741868, with internal and published modifications).

NM_001393769.1(MED12L):c.3840T>C (p.Tyr1280=)

Genes: MED12L (mediator complex subunit 12L; plus strand), P2RY12 (purinergic receptor P2Y12; minus strand). Cytogenetic location: 3q25.1.
Variant type: single nucleotide variant.
Coding change: c.3840T>C on transcript NM_001393769.1 (MANE Select); coding-DNA position 3840, T replaced by C.
Protein change: p.Tyr1280=; no amino-acid change (tyrosine 1280 retained).
Molecular consequence: synonymous variant. On other transcripts: intron variant (1).
Genome position (GRCh38, 1-based): chr3:151,372,742, T>C. VCF-style: chr3-151372742-T-C. GRCh37 (hg19) VCF-style: chr3-151090530-T-C.
Other names: c.3735T>C, p.Tyr1245= (NM_053002.6); c.-180+11950A>G (NM_022788.5).
Identifiers: ClinVar variation 3036404 (VCV003036404.2), dbSNP rs369982334, ClinGen allele CA2668368.